The following is an entry in ClinVar:

ClinVar aggregate classification (germline): Likely benign (1 of 4 stars; one submission).

Conditions:
Epilepsy, progressive myoclonic, 11. Identifiers: MedGen C5394362, MONDO:0030034, OMIM 618876.

Submission:

Centre for Medical Genetics,  Mumbai
Classification: Likely benign for Epilepsy, progressive myoclonic, 11. Last evaluated: 2026-02-04. Review status: criteria provided, single submitter. Criteria: ACMG Guidelines, 2015. Collection method: provider interpretation. Allele origin: germline. Inheritance: Autosomal dominant inheritance. Affected: no. Observed: 1 heterozygote.
Comment: The variant satisfies PM2 criteria; Extremely low frequency in gnomAD population databases. The variant satisfies BP4 criteria; For a missense or a splice region variant, computational prediction tools unanimously support a benign effect on the gene. However, the variant satisfies BS2 criteria.

Literature cited by the submitters: PubMed 32169168.

NM_032108.4(SEMA6B):c.2287C>G (p.Pro763Ala)

Gene: SEMA6B (semaphorin 6B; minus strand). Cytogenetic location: 19p13.3.
Variant type: single nucleotide variant.
Coding change: c.2287C>G on transcript NM_032108.4 (MANE Select); coding-DNA position 2287, C replaced by G.
Protein change: p.Pro763Ala; replaces proline 763 with alanine.
Molecular consequence: missense variant.
Genome position (GRCh38, 1-based): chr19:4,543,981, G>C on the plus strand (C>G on the coding strand, the complement: SEMA6B is on the minus strand). VCF-style: chr19-4543981-G-C. GRCh37 (hg19) VCF-style: chr19-4543993-G-C.
Other names: short protein forms P763A.
Identifiers: ClinVar variation 4755417 (VCV004755417.1).